The following is an entry in ClinVar:

NM_020738.4(KIDINS220):c.3259G>A (p.Gly1087Ser)

Gene: KIDINS220 (kinase D interacting substrate 220; minus strand). Cytogenetic location: 2p25.1.
Variant type: single nucleotide variant.
Coding change: c.3259G>A on transcript NM_020738.4 (MANE Select); coding-DNA position 3259, G replaced by A.
Protein change: p.Gly1087Ser; replaces glycine 1087 with serine.
Molecular consequence: missense variant. On other transcripts: non-coding transcript variant (2).
Genome position (GRCh38, 1-based): chr2:8,750,267, C>T on the plus strand (G>A on the coding strand, the complement: KIDINS220 is on the minus strand). VCF-style: chr2-8750267-C-T. GRCh37 (hg19) VCF-style: chr2-8890397-C-T.
Other names: c.3262G>A, p.Gly1088Ser (NM_001348729.2, NM_001348731.2, NM_001348734.2 and 2 more transcripts); c.3259G>A, p.Gly1087Ser (NM_001348732.2, NM_001348735.2, NM_001348738.2 and 3 more transcripts); c.3133G>A, p.Gly1045Ser (NM_001348736.2); short protein forms G1045S, G1087S, G1088S.
Identifiers: ClinVar variation 1523386 (VCV001523386.8), dbSNP rs1349886265, ClinGen allele CA345771794.

ClinVar aggregate classification (germline): Uncertain significance (1 of 4 stars; one submission).

Allele frequency attached by ClinVar (database versions not stated): TOPMed 0.00002.

Submission:

Labcorp Genetics (formerly Invitae), Labcorp
Classification: Uncertain significance. Last evaluated: 2022-10-17. Review status: criteria provided, single submitter. Criteria: Invitae Variant Classification Sherloc (09022015). Collection method: clinical testing. Allele origin: germline.
Comment: In summary, the available evidence is currently insufficient to determine the role of this variant in disease. Therefore, it has been classified as a Variant of Uncertain Significance. Algorithms developed to predict the effect of missense changes on protein structure and function (SIFT, PolyPhen-2, Align-GVGD) all suggest that this variant is likely to be tolerated. ClinVar contains an entry for this variant (Variation ID: 1523386). This variant has not been reported in the literature in individuals affected with KIDINS220-related conditions. This variant is not present in population databases (gnomAD no frequency). This sequence change replaces glycine, which is neutral and non-polar, with serine, which is neutral and polar, at codon 1087 of the KIDINS220 protein (p.Gly1087Ser).